The following is an entry in ClinVar:

ClinVar aggregate classification (germline): Uncertain significance (1 of 4 stars; one submission).

Conditions:
Inborn genetic diseases. Identifiers: MedGen C0950123, MeSH D030342.

gnomAD v4.1: 3 of 1,584,022 alleles (0.00019%); highest among the groups gnomAD compares: Non-Finnish European, 0.00026%; no homozygotes.

Submission:

Ambry Genetics
Classification: Uncertain significance for Inborn genetic diseases. Last evaluated: 2025-11-20. Review status: criteria provided, single submitter. Criteria: Ambry Variant Classification Scheme 2023. Collection method: clinical testing. Allele origin: germline.
Comment: The c.5534G>C (p.C1845S) alteration is located in exon 9 (coding exon 7) of the ANKRD11 gene. This alteration results from a G to C substitution at nucleotide position 5534, causing the cysteine (C) at amino acid position 1845 to be replaced by a serine (S). Based on data from gnomAD, the C allele has an overall frequency of <0.001% (1/230202) total alleles studied. The highest observed frequency was 0.001% (1/105550) of European (non-Finnish) alleles. Based on insufficient or conflicting evidence, the clinical significance of this alteration remains unclear.

NM_013275.6(ANKRD11):c.5534G>C (p.Cys1845Ser)

Gene: ANKRD11 (ankyrin repeat domain 11; minus strand). Cytogenetic location: 16q24.3.
Variant type: single nucleotide variant.
Coding change: c.5534G>C on transcript NM_013275.6 (MANE Select); coding-DNA position 5534, G replaced by C.
Protein change: p.Cys1845Ser; replaces cysteine 1845 with serine.
Molecular consequence: missense variant.
Genome position (GRCh38, 1-based): chr16:89,281,008, C>G on the plus strand (G>C on the coding strand, the complement: ANKRD11 is on the minus strand). VCF-style: chr16-89281008-C-G. GRCh37 (hg19) VCF-style: chr16-89347416-C-G.
Other names: c.5534G>C, p.Cys1845Ser (NM_001256182.2, NM_001256183.2); short protein forms C1845S.
Identifiers: ClinVar variation 4577827 (VCV004577827.1).